The following is an entry in ClinVar:

ClinVar aggregate classification (germline): Uncertain significance (1 of 4 stars; one submission).

Conditions:
POLD1-related polyposis and colorectal cancer syndrome (CRCS10). Also called: COLORECTAL CANCER, SUSCEPTIBILITY TO, ON CHROMOSOME 19q; Colorectal cancer 10; Colorectal cancer, susceptibility to, 10. Identifiers: Orphanet 220460, MedGen C2675481, MONDO:0012953, OMIM 612591.

Submission:

Labcorp Genetics (formerly Invitae), Labcorp
Classification: Uncertain significance for POLD1-related polyposis and colorectal cancer syndrome. Last evaluated: 2025-10-13. Review status: criteria provided, single submitter. Criteria: Invitae Variant Classification Sherloc (09022015). Collection method: clinical testing. Allele origin: germline.
Comment: This sequence change replaces proline, which is neutral and non-polar, with serine, which is neutral and polar, at codon 419 of the POLD1 protein (p.Pro419Ser). This variant is not present in population databases (gnomAD no frequency). This variant has not been reported in the literature in individuals affected with POLD1-related conditions. Invitae Evidence Modeling of protein sequence and biophysical properties (such as structural, functional, and spatial information, amino acid conservation, physicochemical variation, residue mobility, and thermodynamic stability) indicates that this missense variant is not expected to disrupt POLD1 protein function with a negative predictive value of 80%. In summary, the available evidence is currently insufficient to determine the role of this variant in disease. Therefore, it has been classified as a Variant of Uncertain Significance.

NM_002691.4(POLD1):c.1255C>T (p.Pro419Ser)

Gene: POLD1 (DNA polymerase delta 1, catalytic subunit; plus strand). Cytogenetic location: 19q13.33.
Variant type: single nucleotide variant.
Coding change: c.1255C>T on transcript NM_002691.4 (MANE Select); coding-DNA position 1255, C replaced by T.
Protein change: p.Pro419Ser; replaces proline 419 with serine.
Molecular consequence: missense variant. On other transcripts: non-coding transcript variant (1).
Genome position (GRCh38, 1-based): chr19:50,406,194, C>T. VCF-style: chr19-50406194-C-T. GRCh37 (hg19) VCF-style: chr19-50909451-C-T.
Other names: c.1255C>T, p.Pro419Ser (NM_001256849.1, NM_001308632.1, NM_001438210.1 and 3 more transcripts); short protein forms P419S.
Identifiers: ClinVar variation 4781665 (VCV004781665.1).